The following is an entry in ClinVar:

NM_000252.3(MTM1):c.1666C>T (p.Arg556Cys)

Gene: MTM1 (myotubularin 1; plus strand). Cytogenetic location: Xq28.
Variant type: single nucleotide variant.
Coding change: c.1666C>T on transcript NM_000252.3 (MANE Select); coding-DNA position 1666, C replaced by T.
Protein change: p.Arg556Cys; replaces arginine 556 with cysteine.
Molecular consequence: missense variant.
Genome position (GRCh38, 1-based): chrX:150,671,449, C>T. VCF-style: chrX-150671449-C-T. GRCh37 (hg19) VCF-style: chrX-149839922-C-T.
Other names: c.1663C>T, p.Arg555Cys (NM_001376906.1); c.1555C>T, p.Arg519Cys (NM_001376907.1); c.1666C>T, p.Arg556Cys (NM_001376908.1); short protein forms R556C, R519C, R555C.
Identifiers: ClinVar variation 660442 (VCV000660442.3), dbSNP rs1603214706, ClinGen allele CA415023218.

ClinVar aggregate classification (germline): Uncertain significance (1 of 4 stars; one submission).

Conditions:
Severe X-linked myotubular myopathy (CNMX). Also called: MYOTUBULAR MYOPATHY 1; X-linked centronuclear myopathy; Myotubular myopathy, X-linked. Identifiers: Orphanet 596, MedGen C0410203, MONDO:0010683, OMIM 310400.

Allele frequency attached by ClinVar (database versions not stated): TOPMed 0.00001.

Submission:

Labcorp Genetics (formerly Invitae), Labcorp
Classification: Uncertain significance for Severe X-linked myotubular myopathy. Last evaluated: 2021-08-12. Review status: criteria provided, single submitter. Criteria: Invitae Variant Classification Sherloc (09022015). Collection method: clinical testing. Allele origin: germline.
Comment: This sequence change replaces arginine with cysteine at codon 556 of the MTM1 protein (p.Arg556Cys). The arginine residue is moderately conserved and there is a large physicochemical difference between arginine and cysteine. This variant is not present in population databases (ExAC no frequency). This missense change has been observed in individual(s) with clinical features of MTM1-related conditions (Invitae). Algorithms developed to predict the effect of missense changes on protein structure and function are either unavailable or do not agree on the potential impact of this missense change (SIFT: "Tolerated"; PolyPhen-2: "Probably Damaging"; Align-GVGD: "Class C0"). In summary, the available evidence is currently insufficient to determine the role of this variant in disease. Therefore, it has been classified as a Variant of Uncertain Significance.